The following is an entry in ClinVar:

ClinVar aggregate classification (germline): Benign/Likely benign. Review status: criteria provided, multiple submitters, no conflicts (2 of 4 stars). 3 submissions from 3 submitters: Benign (1); Likely benign (1). 1 of the submissions does not count toward it. Last evaluated 2026-06-01.

Conditions:
CYLD-related disorder. Also called: CYLD-related condition.

Allele frequency attached by ClinVar (database versions not stated): gnomAD exomes 0.00008; ESP Exome Variant Server 0.00016; ExAC 0.00026; gnomAD 0.00030; 1000 Genomes Project 30x 0.00031; TOPMed 0.00031; 1000 Genomes Project 0.00040.
gnomAD v4.1: 214 of 1,614,034 alleles (0.013%); highest among the groups gnomAD compares: East Asian, 0.19%; 2 homozygotes.

Submissions (3):

CeGaT Center for Human Genetics Tuebingen
Classification: Likely benign. Last evaluated: 2026-06-01. Review status: criteria provided, single submitter. Criteria: CeGaT Center For Human Genetics Tuebingen Variant Classification Criteria Version 2. Collection method: clinical testing. Allele origin: germline. Affected: yes. Observed: 2 variant alleles.
Comment: CYLD: BP4, BP7

Labcorp Genetics (formerly Invitae), Labcorp
Classification: Benign. Last evaluated: 2025-05-07. Review status: criteria provided, single submitter. Criteria: Invitae Variant Classification Sherloc (09022015). Collection method: clinical testing. Allele origin: germline.

PreventionGenetics, part of Exact Sciences
Classification: Likely benign for CYLD-related condition. Last evaluated: 2022-06-09. Review status: no assertion criteria provided. Collection method: clinical testing. Allele origin: germline. Not counted in ClinVar's aggregate classification.
Comment: This variant is classified as likely benign based on ACMG/AMP sequence variant interpretation guidelines (Richards et al. 2015 PMID: 25741868, with internal and published modifications).

NM_001378743.1(CYLD):c.2814G>A (p.Leu938=)

Genes: CYLD (CYLD lysine 63 deubiquitinase; plus strand), CYLD-AS2 (CYLD antisense RNA 2; minus strand). Cytogenetic location: 16q12.1.
Variant type: single nucleotide variant.
Coding change: c.2814G>A on transcript NM_001378743.1 (MANE Select); coding-DNA position 2814, G replaced by A.
Protein change: p.Leu938=; no amino-acid change (leucine 938 retained).
Molecular consequence: synonymous variant. On other transcripts: non-coding transcript variant (1).
Genome position (GRCh38, 1-based): chr16:50,796,451, G>A. VCF-style: chr16-50796451-G-A. GRCh37 (hg19) VCF-style: chr16-50830362-G-A.
Other names: c.2805G>A, p.Leu935= (NM_001042355.2, NM_001042412.3, NM_001378744.1 and 6 more transcripts); c.2775G>A, p.Leu925= (NM_001378751.1, NM_001378752.1, NM_001378753.1); c.2139G>A, p.Leu713= (NM_001378754.1, NM_001378755.1); c.2814G>A, p.Leu938= (NM_015247.3).
Identifiers: ClinVar variation 2646521 (VCV002646521.28), dbSNP rs199632232, ClinGen allele CA8052723.